The following is an entry in ClinVar:

ClinVar aggregate classification (germline): Uncertain significance (1 of 4 stars; one submission).

Conditions:
Ectodermal dysplasia 11A, hypohidrotic/hair/tooth type, autosomal dominant. Identifiers: Orphanet 1810, Orphanet 238468, MedGen C3541517, MONDO:0013982, OMIM 614940.
Ectodermal dysplasia 11B, hypohidrotic/hair/tooth type, autosomal recessive. Identifiers: Orphanet 238468, Orphanet 248, MedGen C3539920, MONDO:0013983, OMIM 614941.

Allele frequency attached by ClinVar (database versions not stated): TOPMed 0.00002.
gnomAD v4.1: 1 of 1,609,646 alleles (0.000062%); highest among the groups gnomAD compares: South Asian, 0.0011%; no homozygotes.

Submission:

Labcorp Genetics (formerly Invitae), Labcorp
Classification: Uncertain significance for Ectodermal dysplasia 11B, hypohidrotic/hair/tooth type, autosomal recessive; Ectodermal dysplasia 11A, hypohidrotic/hair/tooth type, autosomal dominant. Last evaluated: 2026-01-06. Review status: criteria provided, single submitter. Criteria: Invitae Variant Classification Sherloc (09022015). Collection method: clinical testing. Allele origin: germline.
Comment: This sequence change replaces proline, which is neutral and non-polar, with serine, which is neutral and polar, at codon 52 of the EDARADD protein (p.Pro52Ser). This variant is present in population databases (no rsID available, gnomAD 0.003%). This variant has not been reported in the literature in individuals affected with EDARADD-related conditions. ClinVar contains an entry for this variant (Variation ID: 2939545). An algorithm developed to predict the effect of missense changes on protein structure and function (PolyPhen-2) suggests that this variant is likely to be disruptive. In summary, the available evidence is currently insufficient to determine the role of this variant in disease. Therefore, it has been classified as a Variant of Uncertain Significance.

NM_145861.4(EDARADD):c.154C>T (p.Pro52Ser)

Gene: EDARADD (EDAR associated via death domain; plus strand). Cytogenetic location: 1q43.
Variant type: single nucleotide variant.
Coding change: c.154C>T on transcript NM_145861.4 (MANE Select); coding-DNA position 154, C replaced by T.
Protein change: p.Pro52Ser; replaces proline 52 with serine.
Molecular consequence: missense variant.
Genome position (GRCh38, 1-based): chr1:236,414,293, C>T. VCF-style: chr1-236414293-C-T. GRCh37 (hg19) VCF-style: chr1-236577593-C-T.
Other names: c.88C>T, p.Pro30Ser (NM_001422628.1); c.124C>T, p.Pro42Ser (NM_080738.5); short protein forms P30S, P52S, P42S.
Identifiers: ClinVar variation 2939545 (VCV002939545.3), dbSNP rs1259703946, ClinGen allele CA345653552.